The following is an entry in ClinVar:

ClinVar aggregate classification (germline): Pathogenic. Review status: criteria provided, multiple submitters, no conflicts (2 of 4 stars). 4 submissions from 4 submitters: Pathogenic (3). 1 of the submissions does not count toward it. Last evaluated 2022-07-28.

Conditions:
Inborn genetic diseases. Identifiers: MedGen C0950123, MeSH D030342.
Pyruvate dehydrogenase E1-alpha deficiency (PDHAD). Also called: ATAXIA, INTERMITTENT, WITH PYRUVATE DEHYDROGENASE DEFICIENCY; ATAXIA WITH LACTIC ACIDOSIS I; ATAXIA, INTERMITTENT, WITH ABNORMAL PYRUVATE METABOLISM; Ataxia, intermittent, with pyruvate dehydrogenase, or decarboxylase, deficiency. Identifiers: Orphanet 79243, MedGen C1839413, MONDO:0010717, OMIM 312170.

Submissions (4):

GeneDx
Classification: Pathogenic. Last evaluated: 2022-07-28. Review status: criteria provided, single submitter. Criteria: GeneDx Variant Classification Process June 2021. Collection method: clinical testing. Allele origin: germline. Affected: yes.
Comment: Nonsense variant predicted to result in protein truncation, as the last 3 amino acids are lost, and other loss-of-function variants have been reported downstream in HGMD; Not observed at significant frequency in large population cohorts (gnomAD); This variant is associated with the following publications: (PMID: 29756269, 21846590, 7981697, 21914562, 32472546, 32005694, 32348839)

Labcorp Genetics (formerly Invitae), Labcorp
Classification: Pathogenic for Pyruvate dehydrogenase E1-alpha deficiency. Last evaluated: 2021-03-07. Review status: criteria provided, single submitter. Criteria: Invitae Variant Classification Sherloc (09022015). Collection method: clinical testing. Allele origin: germline.
Comment: This variant is not present in population databases (ExAC no frequency). For these reasons, this variant has been classified as Pathogenic. This variant has been observed in individual(s) with pyruvate dehydrogenase complex deficiency (PMID: 7981697, 21914562, 29756269, 21846590). In at least one individual the variant was observed to be de novo. This variant is also known as 1159AAGT. ClinVar contains an entry for this variant (Variation ID: 214947). This sequence change creates a premature translational stop signal (p.Ser388*) in the PDHA1 gene. While this is not anticipated to result in nonsense mediated decay, it is expected to disrupt the last 3 amino acid(s) of the PDHA1 protein.

Ambry Genetics
Classification: Pathogenic for Inborn genetic diseases. Last evaluated: 2020-09-11. Review status: criteria provided, single submitter. Criteria: Ambry Variant Classification Scheme 2023. Collection method: clinical testing. Allele origin: germline.
Comment: The c.1159_1162dupAAGT variant, located in coding exon 11 of the PDHA1 gene, results from a duplication of AAGT at nucleotide position 1159, causing a translational frameshift with a predicted alternate stop codon (p.S388*). This alteration has been reported in male subjects with pyruvate dehydrogenase deficiency (Chun K et al. Am. J. Hum. Genet., 1995 Mar;56:558-69; Imbard A et al. Mol. Genet. Metab., 2011 Dec;104:507-16; Cameron JM et al. Am. J. Med. Genet. A, 2004 Nov;131:59-66; Seyda A et al. Hum. Mol. Genet., 2000 Apr;9:1041-8; Naito E et al. Hum. Mol. Genet., 1994 Jul;3:1193-4; Dong HL et al. CNS Neurosci Ther, 2019 01;25:21-29). This alteration occurs at the 3' terminus of thePDHA1 gene, is not expected to trigger nonsense-mediated mRNA decay, and only impacts the last 3 AA of the protein. However, premature stop codons are typically deleterious in nature and the impacted region is critical for protein function (Seyda A et al. Hum. Mol. Genet., 2000 Apr;9:1041-8). This variant was not reported in population-based cohorts in the Genome Aggregation Database (gnomAD). Based on the supporting evidence, this alteration is interpreted as a disease-causing mutation.

PDHA1 Study Group, University Children’s Hospital, Paracelsus Medical University
Classification: Pathogenic for Pyruvate dehydrogenase E1-alpha deficiency. Last evaluated: 2024-10-15. Review status: no assertion criteria provided. Collection method: research. Allele origin: de novo. Affected: yes. Observed: 22 variant alleles. Not counted in ClinVar's aggregate classification.
Comment: The NM_000284.3:c.1159_1162dup (p.Ser388Ter) change is a nonsense variant in the PDHA1 gene. This variant is predicted to escape nonsense-mediated decay (NMD). It is absent or extremely rare in population-based cohorts in the Genome Aggregation Database (gnomAD). In total, 22 individuals diagnosed with PDHA1-related pyruvate dehydrogenase complex (PDHc) deficiency (MIM #312170) harbor this variant, including 20 males and 2 females. Among these, 7 cases have confirmed de novo occurrence, and 2 are confirmed inherited. The variant is reported in 16 published cases (PMIDs: 7981697, 35132535, 7887409, 10679936, 15384102, 21914562, 21846590, 23021068, 29756269, 32348839), with an additional 6 unpublished cases from internal data. The last literature search is conducted on July 12, 2024. Individuals present with clinical features consistent with PDHA1-related PDHc deficiency. Based on the ACMG/AMP criteria applied (PVS1, PM2, PM7), this variant is classified as pathogenic (P) (last assessment October 15, 2024).

Literature cited by the submitters: PubMed 7981697 (cited by 3 submitters); PubMed 21914562 (cited by 3 submitters); PubMed 29756269 (cited by 3 submitters); PubMed 21846590 (cited by Labcorp Genetics (formerly Invitae), Labcorp and PDHA1 Study Group, University Children’s Hospital, Paracelsus Medical University); PubMed 10767328 (cited by Ambry Genetics); PubMed 15384102 (cited by Ambry Genetics and PDHA1 Study Group, University Children’s Hospital, Paracelsus Medical University); PubMed 7887409 (cited by Ambry Genetics and PDHA1 Study Group, University Children’s Hospital, Paracelsus Medical University); PubMed 35132535 (cited by PDHA1 Study Group, University Children’s Hospital, Paracelsus Medical University); PubMed 10679936 (cited by PDHA1 Study Group, University Children’s Hospital, Paracelsus Medical University); PubMed 23021068 (cited by PDHA1 Study Group, University Children’s Hospital, Paracelsus Medical University); PubMed 32348839 (cited by PDHA1 Study Group, University Children’s Hospital, Paracelsus Medical University); DOI 10.1093/brain/awaf430 (cited by PDHA1 Study Group, University Children’s Hospital, Paracelsus Medical University).

NM_000284.4(PDHA1):c.1159_1162dup (p.Ser388Ter)

Gene: PDHA1 (pyruvate dehydrogenase E1 subunit alpha 1; plus strand). Cytogenetic location: Xp22.12.
Variant type: Duplication.
Coding change: c.1159_1162dup on transcript NM_000284.4 (MANE Select); coding-DNA positions 1159 to 1162, 4 bases duplicated (AAGT; older notation c.1159_1162dupAAGT).
Protein change: p.Ser388Ter; replaces serine 388 with a stop codon.
Molecular consequence: nonsense.
Genome position (GRCh38, 1-based): chrX:19,359,639-19,359,642, AAGT duplicated; duplicating any 4 consecutive bases within chrX:19,359,638-19,359,642 gives the same sequence; the c. name uses the placement nearest the transcript's 3' end. VCF-style (leftmost placement, unchanged base first): chrX-19359637-T-TTAAG. GRCh37 (hg19) VCF-style: chrX-19377755-T-TTAAG.
Other names: c.1273_1276dup, p.Ser426Ter (NM_001173454.2); c.1180_1183dup, p.Ser395Ter (NM_001173455.2); c.1066_1069dup, p.Ser357Ter (NM_001173456.2); c.1159_1162dupAAGT (NM_000284.3); short protein forms S357*, S395*, S388*, S426*.
Identifiers: ClinVar variation 214947 (VCV000214947.15), dbSNP rs863224156, ClinGen allele CA319929.